The following is an entry in ClinVar:

ClinVar aggregate classification (germline): Conflicting classifications of pathogenicity. Review status: criteria provided, conflicting classifications (1 of 4 stars). 7 submissions from 7 submitters: Uncertain significance (1); Benign (5); Likely benign (1). Last evaluated 2026-09-01.

Conditions:
Spastic paraplegia. Identifiers: MedGen C0037772, HP:0001258.
Hereditary spastic paraplegia. Also called: Familial spastic paraparesis. Identifiers: Orphanet 685, MedGen C0037773, MONDO:0019064. Disease mechanism: loss of function.
Hereditary spastic paraplegia 15 (SPG15). Also called: KJELLIN SYNDROME; SPASTIC PARAPLEGIA 15, AUTOSOMAL RECESSIVE; SPASTIC PARAPLEGIA AND RETINAL DEGENERATION. Identifiers: Orphanet 100996, MedGen C1849128, MONDO:0010044, OMIM 270700.

Allele frequency attached by ClinVar (database versions not stated): 1000 Genomes Project 30x 0.00453; 1000 Genomes Project 0.00479; TOPMed 0.00635; gnomAD 0.00701 and 0.00716; ESP Exome Variant Server 0.00753; ExAC 0.00806; gnomAD exomes 0.00863.
gnomAD v4.1: 13,245 of 1,614,132 alleles (0.82%); highest among the groups gnomAD compares: Middle Eastern, 0.91%; 71 homozygotes.

Submissions (7):

CeGaT Center for Human Genetics Tuebingen
Classification: Likely benign. Last evaluated: 2026-09-01. Review status: criteria provided, single submitter. Criteria: CeGaT Center For Human Genetics Tuebingen Variant Classification Criteria Version 2. Collection method: clinical testing. Allele origin: germline. Affected: yes. Observed: 38 variant alleles.
Comment: ZFYVE26: BP4, BS2

Labcorp Genetics (formerly Invitae), Labcorp
Classification: Benign for Spastic paraplegia. Last evaluated: 2026-02-01. Review status: criteria provided, single submitter. Criteria: Invitae Variant Classification Sherloc (09022015). Collection method: clinical testing. Allele origin: germline.

Genome Diagnostics Laboratory, The Hospital for Sick Children
Classification: Benign for Hereditary spastic paraplegia. Last evaluated: 2022-01-21. Review status: criteria provided, single submitter. Criteria: ACMG Guidelines, 2015. Collection method: clinical testing. Allele origin: germline. Affected: yes.

Athena Diagnostics
Classification: Benign. Last evaluated: 2018-09-28. Review status: criteria provided, single submitter. Criteria: Athena Diagnostics Criteria. Collection method: clinical testing. Allele origin: germline.

Illumina Laboratory Services, Illumina
Classification: Uncertain significance for Hereditary spastic paraplegia 15. Last evaluated: 2018-01-13. Review status: criteria provided, single submitter. Criteria: ICSL Variant Classification Criteria 13 December 2019. Collection method: clinical testing. Allele origin: germline.

GeneDx
Classification: Benign. Last evaluated: 2016-07-08. Review status: criteria provided, single submitter. Criteria: GeneDx Variant Classification (06012015). Collection method: clinical testing. Allele origin: germline. Affected: yes.
Comment: This variant is considered likely benign or benign based on one or more of the following criteria: it is a conservative change, it occurs at a poorly conserved position in the protein, it is predicted to be benign by multiple in silico algorithms, and/or has population frequency not consistent with disease.

Mayo Clinic Laboratories, Mayo Clinic
Classification: Benign. Last evaluated: 2016-05-31. Review status: criteria provided, single submitter. Criteria: ACMG Guidelines, 2015. Collection method: clinical testing. Allele origin: germline. Observed: 33 variant alleles.

NM_015346.4(ZFYVE26):c.5678G>T (p.Ser1893Ile)

Gene: ZFYVE26 (zinc finger FYVE-type containing 26; minus strand). Cytogenetic location: 14q24.1.
Variant type: single nucleotide variant.
Coding change: c.5678G>T on transcript NM_015346.4 (MANE Select); coding-DNA position 5678, G replaced by T.
Protein change: p.Ser1893Ile; replaces serine 1893 with isoleucine.
Molecular consequence: missense variant.
Genome position (GRCh38, 1-based): chr14:67,767,816, C>A on the plus strand (G>T on the coding strand, the complement: ZFYVE26 is on the minus strand). VCF-style: chr14-67767816-C-A. GRCh37 (hg19) VCF-style: chr14-68234533-C-A.
Other names: p.Ser1893Ile; short protein forms S1893I.
Identifiers: ClinVar variation 188139 (VCV000188139.52), dbSNP rs34952009, ClinGen allele CA334145.